The following is an entry in ClinVar:

ClinVar aggregate classification (germline): Benign. Review status: criteria provided, multiple submitters, no conflicts (2 of 4 stars). 2 submissions from 2 submitters: Benign (2). Last evaluated 2018-01-13.

Conditions:
Microcephaly 3, primary, autosomal recessive. Identifiers: Orphanet 2512, MedGen C1858108, MONDO:0011488, OMIM 604804.

Allele frequency attached by ClinVar (database versions not stated): gnomAD exomes 0.00121; gnomAD 0.00298; TOPMed 0.00527; 1000 Genomes Project 0.00619; 1000 Genomes Project 30x 0.00640.
gnomAD v4.1: 1,004 of 561,406 alleles (0.18%); highest among the groups gnomAD compares: Admixed American, 2.7%; 22 homozygotes.

Submissions (2):

Illumina Laboratory Services, Illumina
Classification: Benign for Microcephaly 3, primary, autosomal recessive. Last evaluated: 2018-01-13. Review status: criteria provided, single submitter. Criteria: ICSL Variant Classification Criteria 13 December 2019. Collection method: clinical testing. Allele origin: germline.
Comment: This variant was observed in the ICSL laboratory as part of a predisposition screen in an ostensibly healthy population. It had not been previously curated by ICSL or reported in the Human Gene Mutation Database (HGMD: prior to June 1st, 2018), and was therefore a candidate for classification through an automated scoring system. Utilizing variant allele frequency, disease prevalence and penetrance estimates, and inheritance mode, an automated score was calculated to assess if this variant is too frequent to cause the disease. Based on the score and internal cut-off values, a variant classified as benign is not then subjected to further curation. The score for this variant resulted in a classification of benign for this disease.

Breakthrough Genomics
Classification: Benign. Review status: criteria provided, single submitter. Criteria: ACMG Guidelines, 2015. Collection method: not provided. Allele origin: germline. Inheritance: Autosomal recessive inheritance. Affected: yes.

NM_018249.6(CDK5RAP2):c.*264G>A

Gene: CDK5RAP2 (CDK5 regulatory subunit associated protein 2; minus strand). Cytogenetic location: 9q33.2.
Variant type: single nucleotide variant.
Coding change: c.*264G>A on transcript NM_018249.6 (MANE Select); 264 bases downstream of the stop codon, G replaced by A.
Molecular consequence: 3 prime UTR variant. On other transcripts: non-coding transcript variant (5).
Genome position (GRCh38, 1-based): chr9:120,388,972, C>T on the plus strand (G>A on the coding strand, the complement: CDK5RAP2 is on the minus strand). VCF-style: chr9-120388972-C-T. GRCh37 (hg19) VCF-style: chr9-123151250-C-T.
Other names: c.*264G>A (NM_001011649.3, NM_001272039.2).
Identifiers: ClinVar variation 364741 (VCV000364741.6), dbSNP rs181859642, ClinGen allele CA10632150.